The following is an entry in ClinVar:

NM_174936.4(PCSK9):c.765C>T (p.Cys255=)

Gene: PCSK9 (proprotein convertase subtilisin/kexin type 9; plus strand). Cytogenetic location: 1p32.3.
Variant type: single nucleotide variant.
Coding change: c.765C>T on transcript NM_174936.4 (MANE Select); coding-DNA position 765, C replaced by T.
Protein change: p.Cys255=; no amino-acid change (cysteine 255 retained).
Molecular consequence: synonymous variant. On other transcripts: non-coding transcript variant (8).
Genome position (GRCh38, 1-based): chr1:55,052,757, C>T. VCF-style: chr1-55052757-C-T. GRCh37 (hg19) VCF-style: chr1-55518430-C-T.
Other names: c.888C>T, p.Cys296= (NM_001407240.1); c.765C>T, p.Cys255= (NM_001407241.1, NM_001407244.1, NM_001407247.1); c.768C>T, p.Cys256= (NM_001407242.1); c.708C>T, p.Cys236= (NM_001407243.1); c.573C>T, p.Cys191= (NM_001407245.1); c.390C>T, p.Cys130= (NM_001407246.1).
Identifiers: ClinVar variation 3387431 (VCV003387431.1).

ClinVar aggregate classification (germline): Likely benign (1 of 4 stars; one submission).

Conditions:
Hypercholesterolemia, autosomal dominant, 3 (FHCL3). Also called: Familial Hypercholesterolemia, Autosomal Dominant, 3; PCSK9-Related Familial Hypercholesterolemia, Autosomal Dominant; Familial hypercholesterolemia 3. Identifiers: MedGen C1863551, MONDO:0011369, OMIM 603776.

gnomAD v4.1: 5 of 1,613,190 alleles (0.00031%); highest among the groups gnomAD compares: Non-Finnish European, 0.00034%; no homozygotes.

Submission:

All of Us Research Program, National Institutes of Health
Classification: Likely benign for Hypercholesterolemia, autosomal dominant, 3. Last evaluated: 2024-05-30. Review status: criteria provided, single submitter. Criteria: ACMG Guidelines, 2015. Collection method: clinical testing. Allele origin: germline. Inheritance: Autosomal dominant inheritance. Observed: 1 variant allele, 1 heterozygote.
Comment: This study involves interpretation of variants in research participants for the purpose of population health screening. Participant phenotype was not available at the time of variant classification. Additional details can be found in publication PMID: 35346344, PMCID: PMC8962531